The following is an entry in ClinVar:

ClinVar aggregate classification (germline): Uncertain significance (1 of 4 stars; one submission).

Conditions:
PLEC-related disorder. Also called: PLEC-related condition; PLEC-related disorders.

gnomAD v4.1: 8 of 1,602,310 alleles (0.0005%); highest among the groups gnomAD compares: East Asian, 0.0045%; no homozygotes.

Submission:

PreventionGenetics, part of Exact Sciences
Classification: Uncertain significance for PLEC-related condition. Last evaluated: 2026-03-30. Review status: criteria provided, single submitter. Criteria: ACMG Guidelines, 2015. Collection method: clinical testing. Allele origin: germline.
Comment: The PLEC c.280C>T variant is predicted to result in the amino acid substitution p.Pro94Ser. In an alternate transcript (NM_201380.3) this variant is described as c.280C>T (p.Pro94Ser). To our knowledge, this variant has not been reported in the literature. This variant is reported in 0.0061% of alleles in individuals of East Asian descent in gnomAD. At this time, the clinical significance of this variant is uncertain due to the absence of conclusive functional and genetic evidence.

NM_201378.4(PLEC):c.71-11735C>T

Gene: PLEC (plectin; minus strand). Cytogenetic location: 8q24.3.
Variant type: single nucleotide variant.
Coding change: c.71-11735C>T on transcript NM_201378.4 (MANE Plus Clinical); 11735 bases into the intron before coding-DNA position 71, C replaced by T.
Molecular consequence: intron variant. On other transcripts: missense variant (1).
Genome position (GRCh38, 1-based): chr8:143,950,427, G>A on the plus strand (C>T on the coding strand, the complement: PLEC is on the minus strand). VCF-style: chr8-143950427-G-A. GRCh37 (hg19) VCF-style: chr8-145024595-G-A.
Other names: c.280C>T, p.Pro94Ser (NM_201380.4); c.194-11735C>T (NM_001410941.1, NM_000445.5); c.46+3299C>T (NM_201379.3); short protein forms P94S.
Identifiers: ClinVar variation 4988486 (VCV004988486.1).